The following is an entry in ClinVar:

ClinVar aggregate classification (germline): Uncertain significance (1 of 4 stars; one submission).

Submission:

Ambry Genetics
Classification: Uncertain significance. Last evaluated: 2026-07-14. Review status: criteria provided, single submitter. Criteria: Ambry Variant Classification Scheme 2023. Collection method: clinical testing. Allele origin: germline.
Comment: The p.S676Y variant (also known as c.2027C>A), located in coding exon 20 of the KIF1B gene, results from a C to A substitution at nucleotide position 2027. The serine at codon 676 is replaced by tyrosine, an amino acid with dissimilar properties. This amino acid position is conserved. In addition, the in silico prediction for this alteration is inconclusive. Based on the available evidence, the clinical significance of this variant remains unclear.

NM_001365951.3(KIF1B):c.2165C>A (p.Ser722Tyr)

Gene: KIF1B (kinesin family member 1B; plus strand). Cytogenetic location: 1p36.22.
Variant type: single nucleotide variant.
Coding change: c.2165C>A on transcript NM_001365951.3 (MANE Select); coding-DNA position 2165, C replaced by A.
Protein change: p.Ser722Tyr; replaces serine 722 with tyrosine.
Molecular consequence: missense variant.
Genome position (GRCh38, 1-based): chr1:10,320,092, C>A. VCF-style: chr1-10320092-C-A. GRCh37 (hg19) VCF-style: chr1-10380150-C-A.
Other names: c.2165C>A, p.Ser722Tyr (NM_001365952.1); c.2027C>A, p.Ser676Tyr (NM_015074.3); short protein forms S676Y, S722Y.
Identifiers: ClinVar variation 5023198 (VCV005023198.1).